The following is an entry in ClinVar:

NM_002691.4(POLD1):c.3300_3301delinsG (p.Pro1102fs)

Gene: POLD1 (DNA polymerase delta 1, catalytic subunit; plus strand). Cytogenetic location: 19q13.33.
Variant type: Indel.
Coding change: c.3300_3301delinsG on transcript NM_002691.4 (MANE Select); coding-DNA positions 3300 to 3301, AC replaced by G.
Protein change: p.Pro1102fs; shifts the reading frame from proline 1102.
Molecular consequence: frameshift variant. On other transcripts: non-coding transcript variant (1).
Genome position (GRCh38, 1-based): chr19:50,417,923-50,417,924, AC replaced by G. VCF-style: chr19-50417923-AC-G. GRCh37 (hg19) VCF-style: chr19-50921180-AC-G.
Other names: c.3300_3301delinsG, p.Pro1102fs (NM_001256849.1); c.3378_3379delinsG, p.Pro1128fs (NM_001308632.1); short protein forms P1128fs, P1102fs.
Identifiers: ClinVar variation 469340 (VCV000469340.14), dbSNP rs1555793930, ClinGen allele CA658658853.
Genomic context (GRCh38, chr19:50,417,923, plus strand): 5'-CATGCGCAAGAAGGTGCGGAAGGACCTGGAAGACCAGGAGCAGCTCCTGCGGCGCTTCGG[AC>G]CCCCTGGACCTGAGGCCTGGTGACCTTGCAAGCATCCCATGGGGCGGGGGCGGGACCAGG-3'

ClinVar aggregate classification (germline): Uncertain significance. Review status: criteria provided, multiple submitters, no conflicts (2 of 4 stars). 4 submissions from 4 submitters: Uncertain significance (4). Last evaluated 2026-08-07.

Conditions:
POLD1-related polyposis and colorectal cancer syndrome (CRCS10). Also called: COLORECTAL CANCER, SUSCEPTIBILITY TO, ON CHROMOSOME 19q; Colorectal cancer, susceptibility to, 10; Colorectal cancer 10. Identifiers: Orphanet 220460, MedGen C2675481, MONDO:0012953, OMIM 612591.
Hereditary cancer-predisposing syndrome. Also called: Neoplastic Syndromes, Hereditary; Hereditary neoplastic syndrome; Hereditary Cancer Syndrome; Tumor predisposition. Identifiers: Orphanet 140162, MedGen C0027672, MeSH D009386, MONDO:0015356.

Submissions (4):

Ambry Genetics
Classification: Uncertain significance for Hereditary cancer-predisposing syndrome. Last evaluated: 2026-08-07. Review status: criteria provided, single submitter. Criteria: Ambry Variant Classification Scheme 2023. Collection method: clinical testing. Allele origin: germline.
Comment: The c.3300_3301delACinsG variant, located in coding exon 26 of the POLD1 gene, results from the deletion of two nucleotides and insertion of one nucleotide causing a translational frameshift with a predicted alternate stop codon (p.P1102Lfs*22). This variant occurs at the 3' terminus of the gene and is not expected to trigger nonsense-mediated mRNA decay. Based on the available evidence, the clinical significance of this variant remains unclear.

Labcorp Genetics (formerly Invitae), Labcorp
Classification: Uncertain significance for POLD1-related polyposis and colorectal cancer syndrome. Last evaluated: 2025-12-08. Review status: criteria provided, single submitter. Criteria: Invitae Variant Classification Sherloc (09022015). Collection method: clinical testing. Allele origin: germline.
Comment: This sequence change results in a frameshift in the POLD1 gene (p.Pro1102Leufs*22). While this is not anticipated to result in nonsense mediated decay, it is expected to disrupt the last 6 amino acid(s) of the POLD1 protein and extend the protein by 15 additional amino acid residues. Missense variants that disrupt the 3'-5' exonuclease (proof-reading) activity of the POLD1 protein are associated with PPAP (polymerase proofreading–associated polyposis) (PMID: 23263490, 23447401). However, loss-of-function variants that result in an absent or severely disrupted POLD1 protein, and missense variants outside the exonuclease domain, are unlikely to be associated with PPAP. This variant is not present in population databases (gnomAD no frequency). This variant has not been reported in the literature in individuals affected with POLD1-related conditions. ClinVar contains an entry for this variant (Variation ID: 2909622). In summary, the available evidence is currently insufficient to determine the role of this variant in disease. Therefore, it has been classified as a Variant of Uncertain Significance.

GeneDx
Classification: Uncertain significance. Last evaluated: 2019-07-18. Review status: criteria provided, single submitter. Criteria: GeneDx Variant Classification Process June 2021. Collection method: clinical testing. Allele origin: germline. Affected: yes.
Comment: Not observed in large population cohorts (Lek 2016); Frameshift variant predicted to result in protein truncation as the last 6 amino acids are lost and replaced with 21 incorrect amino acids, although loss-of-function variants have not been reported downstream of this position in the protein; Has not been previously published as pathogenic or benign to our knowledge

Quest Diagnostics Nichols Institute San Juan Capistrano
Classification: Uncertain significance. Last evaluated: 2018-05-02. Review status: criteria provided, single submitter. Criteria: Quest Diagnostics criteria. Collection method: clinical testing. Allele origin: germline.

Literature cited by the submitters: PubMed 23263490 (cited by Labcorp Genetics (formerly Invitae), Labcorp); PubMed 23447401 (cited by Labcorp Genetics (formerly Invitae), Labcorp).